The following is an entry in ClinVar:

ClinVar aggregate classification (germline): Likely benign. Review status: criteria provided, multiple submitters, no conflicts (2 of 4 stars). 2 submissions from 2 submitters: Likely benign (2). Last evaluated 2026-09-01.

Conditions:
Inborn genetic diseases. Identifiers: MedGen C0950123, MeSH D030342.

gnomAD v4.1: 20 of 1,613,740 alleles (0.0012%); highest among the groups gnomAD compares: Admixed American, 0.033%; no homozygotes.

Submissions (2):

CeGaT Center for Human Genetics Tuebingen
Classification: Likely benign. Last evaluated: 2026-09-01. Review status: criteria provided, single submitter. Criteria: CeGaT Center For Human Genetics Tuebingen Variant Classification Criteria Version 2. Collection method: clinical testing. Allele origin: germline. Affected: yes. Observed: 3 variant alleles.
Comment: CHD5: BP4, BS2

Ambry Genetics
Classification: Likely benign for Inborn genetic diseases. Last evaluated: 2025-08-03. Review status: criteria provided, single submitter. Criteria: Ambry Variant Classification Scheme 2023. Collection method: clinical testing. Allele origin: germline.

NM_015557.3(CHD5):c.4984A>G (p.Ser1662Gly)

Gene: CHD5 (chromodomain helicase DNA binding protein 5; minus strand). Cytogenetic location: 1p36.31.
Variant type: single nucleotide variant.
Coding change: c.4984A>G on transcript NM_015557.3 (MANE Select); coding-DNA position 4984, A replaced by G.
Protein change: p.Ser1662Gly; replaces serine 1662 with glycine.
Molecular consequence: missense variant.
Genome position (GRCh38, 1-based): chr1:6,112,927, T>C on the plus strand (A>G on the coding strand, the complement: CHD5 is on the minus strand). VCF-style: chr1-6112927-T-C. GRCh37 (hg19) VCF-style: chr1-6172987-T-C.
Other names: short protein forms S1662G.
Identifiers: ClinVar variation 4227798 (VCV004227798.7).
Genomic context (GRCh38, chr1:6,112,927, plus strand): 5'-GGACCATGGGGCACAGGTAGAGAACACAGAAGAGCCCCAGACCTGGCCTGAGTTCGGAAC[T>C]GTCCCCTCTGCTGTGGATCAAGCTCAGCTCCAGCTTGTCCAGGATCTTCTCCTTCTCAGG-3'
Protein context (NP_056372.1, residues 1652-1672): ELSLIHSRGD[Ser1662Gly]SELRPDDTKA